The following is an entry in ClinVar:

NM_001281740.3(FHOD3):c.2800C>G (p.Arg934Gly)

Gene: FHOD3 (formin homology 2 domain containing 3; plus strand). Cytogenetic location: 18q12.2.
Variant type: single nucleotide variant.
Coding change: c.2800C>G on transcript NM_001281740.3 (MANE Select); coding-DNA position 2800, C replaced by G.
Protein change: p.Arg934Gly; replaces arginine 934 with glycine.
Molecular consequence: missense variant.
Genome position (GRCh38, 1-based): chr18:36,718,098, C>G. VCF-style: chr18-36718098-C-G. GRCh37 (hg19) VCF-style: chr18-34298061-C-G.
Other names: c.2224C>G, p.Arg742Gly (NM_001281739.3); c.2275C>G, p.Arg759Gly (NM_025135.5); c.2275C>G (NM_025135.2); short protein forms R742G, R759G, R934G.
Identifiers: ClinVar variation 2631940 (VCV002631940.4), dbSNP rs373880183, ClinGen allele CA8941951.

ClinVar aggregate classification (germline): Uncertain significance. Review status: criteria provided, multiple submitters, no conflicts (2 of 4 stars). 3 submissions from 3 submitters: Uncertain significance (3). Last evaluated 2025-12-31.

Conditions:
FHOD3-related disorder. Also called: FHOD3-related condition.
Inborn genetic diseases. Identifiers: MedGen C0950123, MeSH D030342.

Allele frequency attached by ClinVar (database versions not stated): gnomAD 0.00005; ESP Exome Variant Server 0.00015.
gnomAD v4.1: 73 of 1,599,224 alleles (0.0046%); highest among the groups gnomAD compares: Non-Finnish European, 0.0057%; no homozygotes.

Submissions (3):

PreventionGenetics, part of Exact Sciences
Classification: Uncertain significance for FHOD3-related condition. Last evaluated: 2025-12-31. Review status: criteria provided, single submitter. Criteria: ACMG Guidelines, 2015. Collection method: clinical testing. Allele origin: germline.
Comment: The FHOD3 c.2800C>G variant is predicted to result in the amino acid substitution p.Arg934Gly. To our knowledge, this variant has not been reported in the literature. This variant is reported in 0.0030% of alleles in individuals of Latino descent in gnomAD. At this time, the clinical significance of this variant is uncertain due to the absence of conclusive functional and genetic evidence.

Blueprint Genetics
Classification: Uncertain significance. Last evaluated: 2024-04-25. Review status: criteria provided, single submitter. Criteria: ACMG Guidelines, 2015. Collection method: clinical testing. Allele origin: germline.

Ambry Genetics
Classification: Uncertain significance for Inborn genetic diseases. Last evaluated: 2023-03-02. Review status: criteria provided, single submitter. Criteria: Ambry Variant Classification Scheme 2023. Collection method: clinical testing. Allele origin: germline.